The following is an entry in ClinVar:

ClinVar aggregate classification (germline): Uncertain significance. Review status: criteria provided, multiple submitters, no conflicts (2 of 4 stars). 2 submissions from 2 submitters: Uncertain significance (2). Last evaluated 2021-02-06.

Conditions:
Xeroderma pigmentosum, group F (XPF). Also called: XERODERMA PIGMENTOSUM, TYPE F; Xeroderma pigmentosum, type 6; XERODERMA PIGMENTOSUM VI; XP, GROUP F; XERODERMA PIGMENTOSUM, COMPLEMENTATION GROUP F; ERCC4-Related Xeroderma Pigmentosum. Identifiers: MedGen C0268140, MONDO:0010215, OMIM 278760.
Cockayne syndrome. Identifiers: Orphanet 191, MedGen C0009207, MONDO:0016006.
Fanconi anemia complementation group Q. Identifiers: Orphanet 84, MedGen C3808988, MONDO:0014108, OMIM 615272.

Allele frequency attached by ClinVar (database versions not stated): TOPMed below 0.00001; gnomAD 0.00001.
gnomAD v4.1: 2 of 1,613,886 alleles (0.00012%); highest among the groups gnomAD compares: African/African-American, 0.0027%; no homozygotes.

Submissions (2):

Labcorp Genetics (formerly Invitae), Labcorp
Classification: Uncertain significance for Fanconi anemia complementation group Q; Xeroderma pigmentosum, group F; Cockayne syndrome. Last evaluated: 2021-02-06. Review status: criteria provided, single submitter. Criteria: Invitae Variant Classification Sherloc (09022015). Collection method: clinical testing. Allele origin: germline.
Comment: This variant has not been reported in the literature in individuals with ERCC4-related conditions. This variant is not present in population databases (ExAC no frequency). This sequence change replaces arginine with lysine at codon 434 of the ERCC4 protein (p.Arg434Lys). The arginine residue is highly conserved and there is a small physicochemical difference between arginine and lysine. Algorithms developed to predict the effect of missense changes on protein structure and function output the following: SIFT: "Tolerated"; PolyPhen-2: "Benign"; Align-GVGD: "Class C0". The lysine amino acid residue is found in multiple mammalian species, suggesting that this missense change does not adversely affect protein function. These predictions have not been confirmed by published functional studies and their clinical significance is uncertain. In summary, the available evidence is currently insufficient to determine the role of this variant in disease. Therefore, it has been classified as a Variant of Uncertain Significance. Algorithms developed to predict the effect of sequence changes on RNA splicing suggest that this variant may create or strengthen a splice site, but this prediction has not been confirmed by published transcriptional studies.

Blueprint Genetics
Classification: Uncertain significance. Last evaluated: 2020-02-04. Review status: criteria provided, single submitter. Criteria: ACMG Guidelines, 2015. Collection method: clinical testing. Allele origin: germline.

NM_005236.3(ERCC4):c.1301G>A (p.Arg434Lys)

Gene: ERCC4 (ERCC excision repair 4, endonuclease catalytic subunit; plus strand). Cytogenetic location: 16p13.12.
Variant type: single nucleotide variant.
Coding change: c.1301G>A on transcript NM_005236.3 (MANE Select); coding-DNA position 1301, G replaced by A.
Protein change: p.Arg434Lys; replaces arginine 434 with lysine.
Molecular consequence: missense variant.
Genome position (GRCh38, 1-based): chr16:13,935,233, G>A. VCF-style: chr16-13935233-G-A. GRCh37 (hg19) VCF-style: chr16-14029090-G-A.
Other names: short protein forms R434K.
Identifiers: ClinVar variation 1449687 (VCV001449687.9), dbSNP rs1473430382, ClinGen allele CA394809319.